The following is an entry in ClinVar:

NM_004333.6(BRAF):c.980+812T>C

Gene: BRAF (B-Raf proto-oncogene, serine/threonine kinase; minus strand). Cytogenetic location: 7q34.
Variant type: single nucleotide variant.
Coding change: c.980+812T>C on transcript NM_004333.6 (MANE Select); 812 bases into the intron after coding-DNA position 980, T replaced by C.
Molecular consequence: intron variant.
Genome position (GRCh38, 1-based): chr7:140,799,550, A>G on the plus strand (T>C on the coding strand, the complement: BRAF is on the minus strand). VCF-style: chr7-140799550-A-G. GRCh37 (hg19) VCF-style: chr7-140499350-A-G.
Other names: c.980+812T>C (NM_001378474.1, NM_001378471.1, NM_001378468.1 and 4 more transcripts); c.878+812T>C (NM_001378470.1); c.716+812T>C (NM_001378475.1); c.989+812T>C (NM_001378467.1); c.824+812T>C (NM_001378472.1, NM_001378473.1).
Identifiers: ClinVar variation 2658091 (VCV002658091.24), dbSNP rs777031398, ClinGen allele CA168105361.
Genomic context (GRCh38, chr7:140,799,550, plus strand): 5'-TTCTTAAGTTAGATAAACCTTTCTTCACTAGCTTCTAAACCTAACATCTTCATTCCCTTT[A>G]TATCTGTTTATTCCCTTTATATCTGTTGTTTCTCCATTCCCCTTTCACCATGCTTCTATT-3'

ClinVar aggregate classification (germline): Likely benign (1 of 4 stars; one submission).

Allele frequency attached by ClinVar (database versions not stated): TOPMed 0.00079; gnomAD 0.00081; gnomAD exomes 0.00188.
gnomAD v4.1: 277 of 231,944 alleles (0.12%); highest among the groups gnomAD compares: Non-Finnish European, 0.018%; 6 homozygotes.

Submission:

CeGaT Center for Human Genetics Tuebingen
Classification: Likely benign. Last evaluated: 2024-01-01. Review status: criteria provided, single submitter. Criteria: CeGaT Center For Human Genetics Tuebingen Variant Classification Criteria Version 2. Collection method: clinical testing. Allele origin: germline. Affected: yes. Observed: 4 variant alleles.
Comment: BRAF: BS1